The following is an entry in ClinVar:

ClinVar aggregate classification (germline): Likely benign (1 of 4 stars; one submission).

Submission:

CeGaT Center for Human Genetics Tuebingen
Classification: Likely benign. Last evaluated: 2025-11-01. Review status: criteria provided, single submitter. Criteria: CeGaT Center For Human Genetics Tuebingen Variant Classification Criteria Version 2. Collection method: clinical testing. Allele origin: germline. Affected: yes. Observed: 2 variant alleles.
Comment: RPGR: PM2:Supporting, BP4, BP7

NM_001034853.2(RPGR):c.2847A>G (p.Glu949=)

Gene: RPGR (retinitis pigmentosa GTPase regulator; minus strand). Cytogenetic location: Xp11.4.
Variant type: single nucleotide variant.
Coding change: c.2847A>G on transcript NM_001034853.2 (MANE Select); coding-DNA position 2847, A replaced by G.
Protein change: p.Glu949=; no amino-acid change (glutamic acid 949 retained).
Molecular consequence: synonymous variant. On other transcripts: intron variant (8).
Genome position (GRCh38, 1-based): chrX:38,286,152, T>C on the plus strand (A>G on the coding strand, the complement: RPGR is on the minus strand). VCF-style: chrX-38286152-T-C. GRCh37 (hg19) VCF-style: chrX-38145405-T-C.
Other names: c.1569+4807A>G (NM_001367249.1, NM_001367250.1); c.1902+942A>G (NM_001367245.1); c.1386+4807A>G (NM_001367251.1); c.1719+942A>G (NM_001367246.1); c.1572+4807A>G (NM_001367247.1); c.1905+942A>G (NM_000328.3); c.1602+4807A>G (NM_001367248.1).
Identifiers: ClinVar variation 4533521 (VCV004533521.6).